The following is an entry in ClinVar:

NM_000059.4(BRCA2):c.1440C>A (p.Cys480Ter)

Gene: BRCA2 (BRCA2 DNA repair associated; plus strand). Cytogenetic location: 13q13.1.
Variant type: single nucleotide variant.
Coding change: c.1440C>A on transcript NM_000059.4 (MANE Select); coding-DNA position 1440, C replaced by A.
Protein change: p.Cys480Ter; replaces cysteine 480 with a stop codon.
Molecular consequence: nonsense.
Genome position (GRCh38, 1-based): chr13:32,332,918, C>A. VCF-style: chr13-32332918-C-A. GRCh37 (hg19) VCF-style: chr13-32907055-C-A.
Other names: short protein forms C480*.
Identifiers: ClinVar variation 452967 (VCV000452967.8), dbSNP rs1555281911, ClinGen allele CA387764299.

ClinVar aggregate classification (germline): Pathogenic/Likely pathogenic. Review status: criteria provided, multiple submitters, no conflicts (2 of 4 stars). 3 submissions from 3 submitters: Pathogenic (2); Likely pathogenic (1). Last evaluated 2022-11-21.

Conditions:
Hereditary breast ovarian cancer syndrome. Also called: Hereditary breast and ovarian cancer syndrome; BRCA1- and BRCA2-Associated Hereditary Breast and Ovarian Cancer; Breast and ovarian cancer; Hereditary breast and ovarian cancer; Hereditary breast and ovarian cancer syndrome (HBOC); Hereditary breast and/or ovarian cancer syndrome. Identifiers: Orphanet 145, MedGen C0677776, MeSH D061325, MONDO:0003582. Disease mechanism: loss of function.

Submissions (3):

Women's Health and Genetics/Laboratory Corporation of America, LabCorp
Classification: Likely pathogenic for Hereditary breast ovarian cancer syndrome. Last evaluated: 2022-11-21. Review status: criteria provided, single submitter. Criteria: LabCorp Variant Classification Summary - May 2015. Collection method: clinical testing. Allele origin: germline.
Comment: Variant summary: BRCA2 c.1440C>A (p.Cys480X) results in a premature termination codon, predicted to cause a truncation of the encoded protein or absence of the protein due to nonsense mediated decay, which are commonly known mechanisms for disease. Truncations downstream of this position have been classified as pathogenic by our laboratory. The variant was absent in 244754 control chromosomes. c.1440C>A has been reported in the literature as a pathogenic variant in settings of multigene panel testing performed in at-least one individual affected with and/or referred for Ovarian Cancer (example, Arvai_2019). To our knowledge, no experimental evidence demonstrating an impact on protein function has been reported. One clinical diagnostic laboratory that also reported the study ascertained above has submitted clinical-significance assessments for this variant to ClinVar after 2014 classified the variant as pathogenic. Based on the evidence outlined above, the variant was classified as likely pathogenic.

Labcorp Genetics (formerly Invitae), Labcorp
Classification: Pathogenic for Hereditary breast ovarian cancer syndrome. Last evaluated: 2022-07-14. Review status: criteria provided, single submitter. Criteria: Invitae Variant Classification Sherloc (09022015). Collection method: clinical testing. Allele origin: germline.
Comment: This variant is not present in population databases (gnomAD no frequency). This variant has not been reported in the literature in individuals affected with BRCA2-related conditions. ClinVar contains an entry for this variant (Variation ID: 452967). For these reasons, this variant has been classified as Pathogenic. This sequence change creates a premature translational stop signal (p.Cys480*) in the BRCA2 gene. It is expected to result in an absent or disrupted protein product. Loss-of-function variants in BRCA2 are known to be pathogenic (PMID: 20104584).

GeneDx
Classification: Pathogenic. Last evaluated: 2018-06-07. Review status: criteria provided, single submitter. Criteria: GeneDx Variant Classification (06012015). Collection method: clinical testing. Allele origin: germline. Affected: yes.
Comment: This variant is denoted BRCA2 c.1440C>A at the cDNA level and p.Cys480Ter (C480X) at the proteinlevel. Using alternate nomenclature, this variant would be defined as BRCA2 1668C>A. The substitution creates anonsense variant, which changes a Cysteine to a premature stop codon (TGC>TGA), and is predicted to cause loss ofnormal protein function through either protein truncation or nonsense-mediated mRNA decay. Although this variant hasnot, to our knowledge, been reported in the literature, it is considered pathogenic

Literature cited by the submitters: PubMed 31341520 (cited by Women's Health and Genetics/Laboratory Corporation of America, LabCorp); PubMed 20104584 (cited by Labcorp Genetics (formerly Invitae), Labcorp).